The following is an entry in ClinVar:

NM_001430.5(EPAS1):c.1006T>C (p.Cys336Arg)

Gene: EPAS1 (endothelial PAS domain protein 1; plus strand). Cytogenetic location: 2p21.
Variant type: single nucleotide variant.
Coding change: c.1006T>C on transcript NM_001430.5 (MANE Select); coding-DNA position 1006, T replaced by C.
Protein change: p.Cys336Arg; replaces cysteine 336 with arginine.
Molecular consequence: missense variant.
Genome position (GRCh38, 1-based): chr2:46,375,809, T>C. VCF-style: chr2-46375809-T-C. GRCh37 (hg19) VCF-style: chr2-46602948-T-C.
Other names: short protein forms C336R.
Identifiers: ClinVar variation 1785945 (VCV001785945.2), dbSNP rs1326548350, ClinGen allele CA346702951.
Genomic context (GRCh38, chr2:46,375,809, plus strand): 5'-TACGTGTGGCTGGAGACCCAGGGGACGGTCATCTACAACCCTCGCAACCTGCAGCCCCAG[T>C]GCATCATGTGTGTCAACTACGTCCTGAGGTAAGCATGTGAGGGCTGGCGGGCCTTGGTGC-3'
Protein context (NP_001421.2, residues 326-346): IYNPRNLQPQ[Cys336Arg]IMCVNYVLSE

ClinVar aggregate classification (germline): Uncertain significance (1 of 4 stars; one submission).

Conditions:
Inborn genetic diseases. Identifiers: MedGen C0950123, MeSH D030342.

Submission:

Ambry Genetics
Classification: Uncertain significance for Inborn genetic diseases. Last evaluated: 2022-08-09. Review status: criteria provided, single submitter. Criteria: Ambry Variant Classification Scheme 2023. Collection method: clinical testing. Allele origin: germline.
Comment: The p.C336R variant (also known as c.1006T>C), located in coding exon 8 of the EPAS1 gene, results from a T to C substitution at nucleotide position 1006. The cysteine at codon 336 is replaced by arginine, an amino acid with highly dissimilar properties. This amino acid position is conserved. In addition, the in silico prediction for this alteration is inconclusive. Since supporting evidence is limited at this time, the clinical significance of this alteration remains unclear.